The following is an entry in ClinVar:

NM_000051.4(ATM):c.6351del (p.Glu2118fs)

Genes: ATM (ATM serine/threonine kinase; plus strand), C11orf65 (chromosome 11 open reading frame 65; minus strand). Cytogenetic location: 11q22.3.
Variant type: Deletion.
Coding change: c.6351del on transcript NM_000051.4 (MANE Select); coding-DNA position 6351, one base deleted (A; older notation c.6351delA).
Protein change: p.Glu2118fs; shifts the reading frame from glutamic acid 2118.
Molecular consequence: frameshift variant. On other transcripts: intron variant (2).
Genome position (GRCh38, 1-based): chr11:108,319,957, A deleted; the last of 3 consecutive A bases (chr11:108,319,955-108,319,957); deleting any one gives the same sequence. VCF-style (leftmost placement, unchanged base first): chr11-108319954-CA-C. GRCh37 (hg19) VCF-style: chr11-108190681-CA-C.
Other names: c.6351del, p.Glu2118fs (NM_001351834.2); c.641-10884del (NM_001330368.2); c.*39-10884del (NM_001351110.2); short protein forms E2118fs.
Identifiers: ClinVar variation 2024749 (VCV002024749.4), dbSNP rs2547144476, ClinGen allele CA2574971294.
Genomic context (GRCh38, chr11:108,319,954, plus strand): 5'-TACATGTATATCTTAGGGTTCTGTTTTTAAGTATATTTTTTTCTTTGACTTATCTCACAG[CA>C]AAGAAGTAGAAGGAACCAGTTACCATGAATCATTGTACAATGCTCTACAATCTCTAAGAG-3'

ClinVar aggregate classification (germline): Pathogenic (1 of 4 stars; one submission).

Conditions:
Ataxia-telangiectasia syndrome (AT). Also called: Ataxia-telangiectasia, complementation group D; AT, COMPLEMENTATION GROUP C; ATAXIA-TELANGIECTASIA, COMPLEMENTATION GROUP A; ATAXIA-TELANGIECTASIA, FRESNO VARIANT; Ataxia-telangiectasia, complementation group E; LOUIS-BAR SYNDROME. Identifiers: Orphanet 100, MedGen C0004135, MONDO:0008840, OMIM 208900.

Submission:

Labcorp Genetics (formerly Invitae), Labcorp
Classification: Pathogenic for Ataxia-telangiectasia syndrome. Last evaluated: 2021-12-06. Review status: criteria provided, single submitter. Criteria: Invitae Variant Classification Sherloc (09022015). Collection method: clinical testing. Allele origin: germline.
Comment: For these reasons, this variant has been classified as Pathogenic. This variant has not been reported in the literature in individuals affected with ATM-related conditions. This variant is not present in population databases (gnomAD no frequency). This sequence change creates a premature translational stop signal (p.Glu2118Lysfs*2) in the ATM gene. It is expected to result in an absent or disrupted protein product. Loss-of-function variants in ATM are known to be pathogenic (PMID: 23807571, 25614872).

Literature cited by the submitters: PubMed 23807571; PubMed 25614872.